The following is an entry in ClinVar:

ClinVar aggregate classification (germline): Uncertain significance. Review status: criteria provided, multiple submitters, no conflicts (2 of 4 stars). 2 submissions from 2 submitters: Uncertain significance (2). Last evaluated 2021-08-05.

Allele frequency attached by ClinVar (database versions not stated): gnomAD exomes below 0.00001; TOPMed below 0.00001; ExAC 0.00002.
gnomAD v4.1: 4 of 1,599,444 alleles (0.00025%); highest among the groups gnomAD compares: Non-Finnish European, 0.00034%; no homozygotes.

Submissions (2):

Blueprint Genetics
Classification: Uncertain significance. Last evaluated: 2021-08-05. Review status: criteria provided, single submitter. Criteria: ACMG Guidelines, 2015. Collection method: clinical testing. Allele origin: germline.

Labcorp Genetics (formerly Invitae), Labcorp
Classification: Uncertain significance. Last evaluated: 2019-10-10. Review status: criteria provided, single submitter. Criteria: Invitae Variant Classification Sherloc (09022015). Collection method: clinical testing. Allele origin: germline.
Comment: In summary, the available evidence is currently insufficient to determine the role of this variant in disease. Therefore, it has been classified as a Variant of Uncertain Significance. Nucleotide substitutions within the consensus splice site are a relatively common cause of aberrant splicing (PMID: 17576681, 9536098). Algorithms developed to predict the effect of sequence changes on RNA splicing suggest that this variant may disrupt the consensus splice site, but this prediction has not been confirmed by published transcriptional studies. This variant has not been reported in the literature in individuals with WHRN-related conditions. This variant is present in population databases (rs765864891, ExAC 0.004%). This sequence change affects codon 566 of the WHRN mRNA. It is a 'silent' change, meaning that it does not change the encoded amino acid sequence of the WHRN protein. This variant also falls at the last nucleotide of exon 8 of the WHRN coding sequence, which is part of the consensus splice site for this exon.

Literature cited by the submitters: PubMed 17576681 (cited by Labcorp Genetics (formerly Invitae), Labcorp); PubMed 9536098 (cited by Labcorp Genetics (formerly Invitae), Labcorp).

NM_015404.4(WHRN):c.1698G>A (p.Val566=)

Gene: WHRN (whirlin; minus strand). Cytogenetic location: 9q32.
Variant type: single nucleotide variant.
Coding change: c.1698G>A on transcript NM_015404.4 (MANE Select); coding-DNA position 1698, G replaced by A.
Protein change: p.Val566=; no amino-acid change (valine 566 retained).
Molecular consequence: synonymous variant.
Genome position (GRCh38, 1-based): chr9:114,407,947, C>T on the plus strand (G>A on the coding strand, the complement: WHRN is on the minus strand). VCF-style: chr9-114407947-C-T. GRCh37 (hg19) VCF-style: chr9-117170227-C-T.
Other names: c.549G>A, p.Val183= (NM_001083885.3); c.1698G>A, p.Val566= (NM_001173425.2); c.645G>A, p.Val215= (NM_001346890.1).
Identifiers: ClinVar variation 970038 (VCV000970038.8), dbSNP rs765864891, ClinGen allele CA5205851.